The following is an entry in ClinVar:

NM_004082.5(DCTN1):c.1015_1016dup (p.Leu339fs)

Gene: DCTN1 (dynactin subunit 1; minus strand). Cytogenetic location: 2p13.1.
Variant type: Duplication.
Coding change: c.1015_1016dup on transcript NM_004082.5 (MANE Select); coding-DNA positions 1015 to 1016, 2 bases duplicated (TT; older notation c.1015_1016dupTT).
Protein change: p.Leu339fs; shifts the reading frame from leucine 339.
Molecular consequence: frameshift variant. On other transcripts: non-coding transcript variant (1).
Genome position (GRCh38, 1-based): chr2:74,370,653-74,370,654, AA duplicated on the plus strand (TT on the coding strand, the reverse complement: DCTN1 is on the minus strand). VCF-style (leftmost placement, unchanged base first): chr2-74370652-T-TAA. GRCh37 (hg19) VCF-style: chr2-74597779-T-TAA.
Other names: c.955_956dup, p.Leu319fs (NM_001135040.3); c.613_614dup, p.Leu205fs (NM_001135041.3, NM_023019.4); c.904_905dup, p.Leu302fs (NM_001190836.2); c.994_995dup, p.Leu332fs (NM_001190837.2); c.964_965dup, p.Leu322fs (NM_001378991.1); c.946_947dup, p.Leu316fs (NM_001378992.1); short protein forms L205fs, L302fs, L316fs, L319fs, L322fs, L332fs, L339fs.
Identifiers: ClinVar variation 3749352 (VCV003749352.2).

ClinVar aggregate classification (germline): Uncertain significance (1 of 4 stars; one submission).

Conditions:
Amyotrophic lateral sclerosis type 1 (ALS1). Also called: AMYOTROPHIC LATERAL SCLEROSIS 1, FAMILIAL. Identifiers: Orphanet 803, MedGen C1862939, MONDO:0007103, OMIM 105400.
Neuronopathy, distal hereditary motor, type 7B. Also called: NEURONOPATHY, DISTAL HEREDITARY MOTOR, AUTOSOMAL DOMINANT 14; NEURONOPATHY, DISTAL HEREDITARY MOTOR, HARDING TYPE VIIB; NEUROPATHY, DISTAL HEREDITARY MOTOR, HARDING TYPE VIIB; NEUROPATHY, DISTAL HEREDITARY MOTOR, WITH VOCAL CORD PARALYSIS, HARDING TYPE VIIB; HMN VIIB; LOWER MOTOR NEURON DISEASE, DYNACTIN TYPE. Identifiers: Orphanet 139589, MedGen C1843315, MONDO:0011879, OMIM 607641.
Perry syndrome. Also called: PARKINSONISM WITH ALVEOLAR HYPOVENTILATION AND MENTAL DEPRESSION. Identifiers: Orphanet 178509, MedGen C1868594, MONDO:0008201, OMIM 168605.

Submission:

Labcorp Genetics (formerly Invitae), Labcorp
Classification: Uncertain significance for Amyotrophic lateral sclerosis type 1; Neuronopathy, distal hereditary motor, type 7B; Perry syndrome. Last evaluated: 2024-07-03. Review status: criteria provided, single submitter. Criteria: Invitae Variant Classification Sherloc (09022015). Collection method: clinical testing. Allele origin: germline.
Comment: This sequence change creates a premature translational stop signal (p.Leu339Phefs*2) in the DCTN1 gene. It is expected to result in an absent or disrupted protein product. However, the current clinical and genetic evidence is not sufficient to establish whether loss-of-function variants in DCTN1 cause disease. This variant is not present in population databases (gnomAD no frequency). This variant has not been reported in the literature in individuals affected with DCTN1-related conditions. Algorithms developed to predict the effect of sequence changes on RNA splicing suggest that this variant may disrupt the consensus splice site. In summary, the available evidence is currently insufficient to determine the role of this variant in disease. Therefore, it has been classified as a Variant of Uncertain Significance.